The following is an entry in ClinVar:

ClinVar aggregate classification (germline): Uncertain significance. Review status: criteria provided, multiple submitters, no conflicts (2 of 4 stars). 3 submissions from 3 submitters: Uncertain significance (2). 1 of the submissions does not count toward it. Last evaluated 2024-03-26.

Conditions:
CCDC8-related disorder. Also called: CCDC8-related condition.

Allele frequency attached by ClinVar (database versions not stated): gnomAD 0.00012; ESP Exome Variant Server 0.00015.
gnomAD v4.1: 209 of 1,613,836 alleles (0.013%); highest among the groups gnomAD compares: Non-Finnish European, 0.017%; 1 homozygote.

Submissions (3):

Women's Health and Genetics/Laboratory Corporation of America, LabCorp
Classification: Uncertain significance. Last evaluated: 2024-03-26. Review status: criteria provided, single submitter. Criteria: LabCorp Variant Classification Summary - May 2015. Collection method: clinical testing. Allele origin: germline.
Comment: Variant summary: CCDC8 c.1276G>A (p.Asp426Asn) results in a conservative amino acid change in the encoded protein sequence. Five of five in-silico tools predict a benign effect of the variant on protein function. The variant allele was found at a frequency of 0.00011 in 251478 control chromosomes (gnomAD). This frequency is not significantly higher than estimated for a pathogenic variant in CCDC8 causing Three M Syndrome 3 (0.00011 vs 0.0011), allowing no conclusion about variant significance. To our knowledge, no occurrence of c.1276G>A in individuals affected with Three M Syndrome 3 and no experimental evidence demonstrating its impact on protein function have been reported. ClinVar contains an entry for this variant (Variation ID: 1373125). Based on the evidence outlined above, the variant was classified as uncertain significance.

Labcorp Genetics (formerly Invitae), Labcorp
Classification: Uncertain significance. Last evaluated: 2024-01-08. Review status: criteria provided, single submitter. Criteria: Invitae Variant Classification Sherloc (09022015). Collection method: clinical testing. Allele origin: germline.
Comment: This sequence change replaces aspartic acid, which is acidic and polar, with asparagine, which is neutral and polar, at codon 426 of the CCDC8 protein (p.Asp426Asn). The frequency data for this variant in the population databases is considered unreliable, as metrics indicate poor data quality at this position in the gnomAD database. This variant has not been reported in the literature in individuals affected with CCDC8-related conditions. ClinVar contains an entry for this variant (Variation ID: 1373125). An algorithm developed to predict the effect of missense changes on protein structure and function (PolyPhen-2) suggests that this variant¬†is likely to be tolerated. In summary, the available evidence is currently insufficient to determine the role of this variant in disease. Therefore, it has been classified as a Variant of Uncertain Significance.

PreventionGenetics, part of Exact Sciences
Classification: Uncertain significance for CCDC8-related condition. Last evaluated: 2024-02-19. Review status: no assertion criteria provided. Collection method: clinical testing. Allele origin: germline. Not counted in ClinVar's aggregate classification.
Comment: The CCDC8 c.1276G>A variant is predicted to result in the amino acid substitution p.Asp426Asn. To our knowledge, this variant has not been reported in the literature. This variant is reported in 0.022% of alleles in individuals of European (Non-Finnish) descent in gnomAD. At this time, the clinical significance of this variant is uncertain due to the absence of conclusive functional and genetic evidence.

NM_032040.5(CCDC8):c.1276G>A (p.Asp426Asn)

Gene: CCDC8 (coiled-coil domain containing 8; minus strand). Cytogenetic location: 19q13.32.
Variant type: single nucleotide variant.
Coding change: c.1276G>A on transcript NM_032040.5 (MANE Select); coding-DNA position 1276, G replaced by A.
Protein change: p.Asp426Asn; replaces aspartic acid 426 with asparagine.
Molecular consequence: missense variant.
Genome position (GRCh38, 1-based): chr19:46,411,535, C>T on the plus strand (G>A on the coding strand, the complement: CCDC8 is on the minus strand). VCF-style: chr19-46411535-C-T. GRCh37 (hg19) VCF-style: chr19-46914792-C-T.
Other names: c.1276G>A (NM_032040.4); short protein forms D426N.
Identifiers: ClinVar variation 1373125 (VCV001373125.10), dbSNP rs145266047, ClinGen allele CA9528511.